The following is an entry in ClinVar:

NM_002485.5(NBN):c.1775G>T (p.Arg592Met)

Gene: NBN (nibrin; minus strand). Cytogenetic location: 8q21.3.
Variant type: single nucleotide variant.
Coding change: c.1775G>T on transcript NM_002485.5 (MANE Select); coding-DNA position 1775, G replaced by T.
Protein change: p.Arg592Met; replaces arginine 592 with methionine.
Molecular consequence: missense variant.
Genome position (GRCh38, 1-based): chr8:89,953,314, C>A on the plus strand (G>T on the coding strand, the complement: NBN is on the minus strand). VCF-style: chr8-89953314-C-A. GRCh37 (hg19) VCF-style: chr8-90965542-C-A.
Other names: c.1529G>T, p.Arg510Met (NM_001024688.3); short protein forms R510M, R592M.
Identifiers: ClinVar variation 820052 (VCV000820052.8), dbSNP rs1586052969, ClinGen allele CA371655117.

ClinVar aggregate classification (germline): Uncertain significance. Review status: criteria provided, multiple submitters, no conflicts (2 of 4 stars). 2 submissions from 2 submitters: Uncertain significance (2). Last evaluated 2025-11-11.

Conditions:
Hereditary cancer-predisposing syndrome. Also called: Hereditary Cancer Syndrome; Neoplastic Syndromes, Hereditary; Hereditary neoplastic syndrome; Tumor predisposition. Identifiers: Orphanet 140162, MedGen C0027672, MeSH D009386, MONDO:0015356.
Microcephaly, normal intelligence and immunodeficiency (NBS). Also called: Nijmegen breakage syndrome; Microcephaly with normal intelligence immunodeficiency and lymphoreticular malignancies; Nonsyndromal microcephaly autosomal recessive with normal intelligence; Seemanova syndrome 2; Immunodeficiency, microcephaly with normal intelligence; Ataxia telangiectasia variant V1. Identifiers: Orphanet 647, MedGen C0398791, MONDO:0009623, OMIM 251260.

Allele frequency attached by ClinVar (database versions not stated): gnomAD exomes below 0.00001.

Submissions (2):

Ambry Genetics
Classification: Uncertain significance for Hereditary cancer-predisposing syndrome. Last evaluated: 2025-11-11. Review status: criteria provided, single submitter. Criteria: Ambry Variant Classification Scheme 2023. Collection method: clinical testing. Allele origin: germline.
Comment: The p.R592M variant (also known as c.1775G>T), located in coding exon 11 of the NBN gene, results from a G to T substitution at nucleotide position 1775. The arginine at codon 592 is replaced by methionine, an amino acid with similar properties. This amino acid position is poorly conserved in available vertebrate species. In addition, this alteration is predicted to be tolerated by in silico analysis. Since supporting evidence is limited at this time, the clinical significance of this alteration remains unclear.

Labcorp Genetics (formerly Invitae), Labcorp
Classification: Uncertain significance for Microcephaly, normal intelligence and immunodeficiency. Last evaluated: 2023-12-23. Review status: criteria provided, single submitter. Criteria: Invitae Variant Classification Sherloc (09022015). Collection method: clinical testing. Allele origin: germline.
Comment: This sequence change replaces arginine, which is basic and polar, with methionine, which is neutral and non-polar, at codon 592 of the NBN protein (p.Arg592Met). This variant is not present in population databases (gnomAD no frequency). This variant has not been reported in the literature in individuals affected with NBN-related conditions. ClinVar contains an entry for this variant (Variation ID: 820052). An algorithm developed to predict the effect of missense changes on protein structure and function (PolyPhen-2) suggests that this variant is likely to be tolerated. In summary, the available evidence is currently insufficient to determine the role of this variant in disease. Therefore, it has been classified as a Variant of Uncertain Significance.